The following is an entry in ClinVar:

NM_004360.5(CDH1):c.387+6T>A

Gene: CDH1 (cadherin 1; plus strand). Cytogenetic location: 16q22.1.
Variant type: single nucleotide variant.
Coding change: c.387+6T>A on transcript NM_004360.5 (MANE Select); 6 bases into the intron after coding-DNA position 387, T replaced by A.
Molecular consequence: intron variant.
Genome position (GRCh38, 1-based): chr16:68,801,899, T>A. VCF-style: chr16-68801899-T-A. GRCh37 (hg19) VCF-style: chr16-68835802-T-A.
Other names: c.-1229+6T>A (NM_001317185.2); c.-1433+6T>A (NM_001317186.2); c.387+6T>A (NM_001317184.2).
Identifiers: ClinVar variation 2872033 (VCV002872033.3), dbSNP rs764434962, ClinGen allele CA2732581121.

ClinVar aggregate classification (germline): Uncertain significance (1 of 4 stars; one submission).

Conditions:
Hereditary diffuse gastric adenocarcinoma (HDGC). Also called: DIFFUSE GASTRIC AND LOBULAR BREAST CANCER SYNDROME. Identifiers: Orphanet 26106, MedGen C1708349, MONDO:0007648, OMIM 137215.

Submission:

Labcorp Genetics (formerly Invitae), Labcorp
Classification: Uncertain significance for Hereditary diffuse gastric adenocarcinoma. Last evaluated: 2025-05-12. Review status: criteria provided, single submitter. Criteria: Invitae Variant Classification Sherloc (09022015). Collection method: clinical testing. Allele origin: germline.
Comment: This sequence change falls in intron 3 of the CDH1 gene. It does not directly change the encoded amino acid sequence of the CDH1 protein. It affects a nucleotide within the consensus splice site. This variant is not present in population databases (gnomAD no frequency). This variant has not been reported in the literature in individuals affected with CDH1-related conditions. ClinVar contains an entry for this variant (Variation ID: 2872033). Variants that disrupt the consensus splice site are a relatively common cause of aberrant splicing (PMID: 17576681, 9536098). Algorithms developed to predict the effect of sequence changes on RNA splicing suggest that this variant is not likely to affect RNA splicing. In summary, the available evidence is currently insufficient to determine the role of this variant in disease. Therefore, it has been classified as a Variant of Uncertain Significance.

Literature cited by the submitters: PubMed 17576681; PubMed 9536098.